The following is an entry in ClinVar:

ClinVar aggregate classification (germline): Benign. Review status: criteria provided, multiple submitters, no conflicts (2 of 4 stars). 2 submissions from 2 submitters: Benign (2). Last evaluated 2018-01-12.

Conditions:
Joubert syndrome 15 (JBTS15). Identifiers: Orphanet 475, MedGen C3280897, MONDO:0013763, OMIM 614464.

Allele frequency attached by ClinVar (database versions not stated): 1000 Genomes Project 0.15615; 1000 Genomes Project 30x 0.15709; gnomAD exomes 0.17287 and 0.19402; TOPMed 0.17677; gnomAD 0.18465 and 0.18522; ExAC 0.22021.
gnomAD v4.1: 85,283 of 447,212 alleles (19%); highest among the groups gnomAD compares: Middle Eastern, 26%; 8,750 homozygotes.

Submissions (2):

Illumina Laboratory Services, Illumina
Classification: Benign for Joubert syndrome 15. Last evaluated: 2018-01-12. Review status: criteria provided, single submitter. Criteria: ICSL Variant Classification Criteria 13 December 2019. Collection method: clinical testing. Allele origin: germline.
Comment: This variant was observed in the ICSL laboratory as part of a predisposition screen in an ostensibly healthy population. It had not been previously curated by ICSL or reported in the Human Gene Mutation Database (HGMD: prior to June 1st, 2018), and was therefore a candidate for classification through an automated scoring system. Utilizing variant allele frequency, disease prevalence and penetrance estimates, and inheritance mode, an automated score was calculated to assess if this variant is too frequent to cause the disease. Based on the score and internal cut-off values, a variant classified as benign is not then subjected to further curation. The score for this variant resulted in a classification of benign for this disease.

Breakthrough Genomics
Classification: Benign. Review status: criteria provided, single submitter. Criteria: ACMG Guidelines, 2015. Collection method: not provided. Allele origin: germline. Inheritance: Autosomal recessive inheritance. Affected: yes.

NM_018718.3(CEP41):c.*2041G>A

Gene: CEP41 (centrosomal protein 41; minus strand). Cytogenetic location: 7q32.2.
Variant type: single nucleotide variant.
Coding change: c.*2041G>A on transcript NM_018718.3 (MANE Select); 2041 bases downstream of the stop codon, G replaced by A.
Molecular consequence: 3 prime UTR variant. On other transcripts: non-coding transcript variant (1).
Genome position (GRCh38, 1-based): chr7:130,396,850, C>T on the plus strand (G>A on the coding strand, the complement: CEP41 is on the minus strand). VCF-style: chr7-130396850-C-T. GRCh37 (hg19) VCF-style: chr7-130036691-C-T.
Other names: c.*2041G>A (NM_001257158.2, NM_001257159.2).
Identifiers: ClinVar variation 358919 (VCV000358919.6), dbSNP rs73152868, ClinGen allele CA4485225.